The following is an entry in ClinVar:

NM_001267550.2(TTN):c.59033T>C (p.Ile19678Thr)

Genes: TTN (titin; minus strand), TTN-AS1 (TTN antisense RNA 1; plus strand). Cytogenetic location: 2q31.2.
Variant type: single nucleotide variant.
Coding change: c.59033T>C on transcript NM_001267550.2 (MANE Select); coding-DNA position 59033, T replaced by C.
Protein change: p.Ile19678Thr; replaces isoleucine 19678 with threonine.
Molecular consequence: missense variant.
Genome position (GRCh38, 1-based): chr2:178,593,175, A>G on the plus strand (T>C on the coding strand, the complement: TTN is on the minus strand). VCF-style: chr2-178593175-A-G. GRCh37 (hg19) VCF-style: chr2-179457902-A-G.
Other names: p.Ile18037Thr; c.54110T>C, p.Ile18037Thr (NM_001256850.1); c.31838T>C, p.Ile10613Thr (NM_003319.4); c.51329T>C, p.Ile17110Thr (NM_133378.4); c.32213T>C, p.Ile10738Thr (NM_133432.3); c.32414T>C, p.Ile10805Thr (NM_133437.4); c.59033T>C (NM_001267550.1); short protein forms I10613T, I10738T, I10805T, I17110T, I18037T, I19678T.
Identifiers: ClinVar variation 1693839 (VCV001693839.8), dbSNP rs746014701, ClinGen allele CA1992739.

ClinVar aggregate classification (germline): Uncertain significance. Review status: criteria provided, multiple submitters, no conflicts (2 of 4 stars). 4 submissions from 4 submitters: Uncertain significance (4). Last evaluated 2023-06-02.

Conditions:
Cardiovascular phenotype. Identifiers: MedGen CN230736.
Hypertrophic cardiomyopathy 9. Also called: Familial hypertrophic cardiomyopathy 9. Identifiers: MedGen C1861065, MONDO:0013412, OMIM 613765.
Dilated cardiomyopathy 1G (CMD1G). Identifiers: Orphanet 154, MedGen C1858763, MONDO:0011400, OMIM 604145.
Tibial muscular dystrophy (TMD). Also called: Udd Distal Myopathy – Tibial Muscular Dystrophy; UDD MYOPATHY; Tibial muscular dystrophy, tardive. Identifiers: Orphanet 609, MedGen C1838244, MONDO:0010870, OMIM 600334.
Early-onset myopathy with fatal cardiomyopathy (CMYO5). Also called: Salih Myopathy; CONGENITAL MYOPATHY 5 WITH CARDIOMYOPATHY. Identifiers: Orphanet 289377, MedGen C2673677, MONDO:0012714, OMIM 611705. Disease mechanism: loss of function.
Myopathy, myofibrillar, 9, with early respiratory failure (MFM9). Also called: EDSTROM MYOPATHY; MYOPATHY, PROXIMAL, WITH EARLY RESPIRATORY MUSCLE INVOLVEMENT; Hereditary myopathy with early respiratory failure; Myopathy, distal, with early respiratory failure, autosomal dominant. Identifiers: Orphanet 178464, Orphanet 34521, MedGen C1863599, MONDO:0011362, OMIM 603689.
Autosomal recessive limb-girdle muscular dystrophy type 2J (LGMDR10). Also called: Limb-girdle muscular dystrophy, type 2J; MUSCULAR DYSTROPHY, LIMB-GIRDLE, AUTOSOMAL RECESSIVE 10. Identifiers: Orphanet 140922, MedGen C1837342, MONDO:0012127, OMIM 608807.

Allele frequency attached by ClinVar (database versions not stated): ExAC 0.00002; gnomAD exomes 0.00002; gnomAD 0.00004; TOPMed 0.00004.
gnomAD v4.1: 20 of 1,612,954 alleles (0.0012%); highest among the groups gnomAD compares: Admixed American, 0.0067%; no homozygotes.

Submissions (4):

GeneDx
Classification: Uncertain significance. Last evaluated: 2023-06-02. Review status: criteria provided, single submitter. Criteria: GeneDx Variant Classification Process June 2021. Collection method: clinical testing. Allele origin: germline. Affected: yes.
Comment: Not observed at significant frequency in large population cohorts (gnomAD); Missense variant in a gene in which most reported pathogenic variants are truncating/loss of function; Has not been previously published as pathogenic or benign to our knowledge; Located in the A-band region of TTN in which the majority of loss of function variants have been associated with autosomal dominant titinopathies (Herman et al., 2012)

Fulgent Genetics
Classification: Uncertain significance for Tibial muscular dystrophy; Myopathy, myofibrillar, 9, with early respiratory failure; Dilated cardiomyopathy 1G; Autosomal recessive limb-girdle muscular dystrophy type 2J; Early-onset myopathy with fatal cardiomyopathy; Hypertrophic cardiomyopathy 9. Last evaluated: 2021-08-11. Review status: criteria provided, single submitter. Criteria: ACMG Guidelines, 2015. Collection method: clinical testing. Allele origin: unknown.

Mayo Clinic Laboratories, Mayo Clinic
Classification: Uncertain significance. Last evaluated: 2021-07-21. Review status: criteria provided, single submitter. Criteria: ACMG Guidelines, 2015. Collection method: clinical testing. Allele origin: germline.

Ambry Genetics
Classification: Uncertain significance for Cardiovascular phenotype. Last evaluated: 2019-03-04. Review status: criteria provided, single submitter. Criteria: Ambry Variant Classification Scheme 2023. Collection method: clinical testing. Allele origin: germline.
Comment: The p.I10613T variant (also known as c.31838T>C), located in coding exon 126 of the TTN gene, results from a T to C substitution at nucleotide position 31838. The isoleucine at codon 10613 is replaced by threonine, an amino acid with similar properties. This amino acid position is highly conserved in available vertebrate species. In addition, this alteration is predicted to be tolerated by in silico analysis. Since supporting evidence is limited at this time, the clinical significance of this alteration remains unclear.